The following is an entry in ClinVar:

NM_025114.4(CEP290):c.3085G>T (p.Glu1029Ter)

Gene: CEP290 (centrosomal protein 290; minus strand). Cytogenetic location: 12q21.32.
Variant type: single nucleotide variant.
Coding change: c.3085G>T on transcript NM_025114.4 (MANE Select); coding-DNA position 3085, G replaced by T.
Protein change: p.Glu1029Ter; replaces glutamic acid 1029 with a stop codon.
Molecular consequence: nonsense.
Genome position (GRCh38, 1-based): chr12:88,096,906, C>A on the plus strand (G>T on the coding strand, the complement: CEP290 is on the minus strand). VCF-style: chr12-88096906-C-A. GRCh37 (hg19) VCF-style: chr12-88490683-C-A.
Other names: short protein forms E1029*.
Identifiers: ClinVar variation 1179041 (VCV001179041.3), dbSNP rs2137423759, ClinGen allele CA386006874.

ClinVar aggregate classification (germline): Pathogenic/Likely pathogenic. Review status: criteria provided, multiple submitters, no conflicts (2 of 4 stars). 2 submissions from 2 submitters: Pathogenic (1); Likely pathogenic (1). Last evaluated 2026-02-05.

Conditions:
Senior-Loken syndrome 6 (SLSN6). Identifiers: Orphanet 3156, MedGen C1857779, MONDO:0012433, OMIM 610189.
Leber congenital amaurosis 10 (LCA10). Identifiers: Orphanet 65, MedGen C1857821, MONDO:0012723, OMIM 611755.
Joubert syndrome 5 (JBTS5). Identifiers: Orphanet 2318, MedGen C1857780, MONDO:0012432, OMIM 610188.
Meckel syndrome, type 4 (MKS4). Also called: MECKEL-GRUBER SYNDROME, TYPE 4. Identifiers: Orphanet 564, MedGen C1970161, MONDO:0012626, OMIM 611134.
Bardet-Biedl syndrome 14 (BBS14). Identifiers: Orphanet 110, MedGen C2673874, MONDO:0014442, OMIM 615991.
CEP290-related ciliopathy. Also called: CEP290 ciliopathy. Identifiers: MedGen CN305601, MONDO:0100451.

Submissions (2):

Myriad Genetics, Inc.
Classification: Pathogenic for CEP290-related ciliopathy. Last evaluated: 2026-02-05. Review status: criteria provided, single submitter. Criteria: Myriad Autosomal Dominant, Autosomal Recessive and X-Linked Classification Criteria (2023). Collection method: clinical testing. Allele origin: unknown.
Comment: NM_025114.3(CEP290):c.3085G>T(E1029*) is expected to be pathogenic in the context of CEP290-related disorders. This variant is predicted to lead to an abnormal or absent protein product due to the creation of a premature termination codon in CEP290, a gene where loss-of-function variants are known to be pathogenic. Please note: this variant was assessed in the context of healthy population screening.

Fulgent Genetics
Classification: Likely pathogenic for Joubert syndrome 5; Senior-Loken syndrome 6; Meckel syndrome, type 4; Leber congenital amaurosis 10; Bardet-Biedl syndrome 14. Last evaluated: 2021-06-30. Review status: criteria provided, single submitter. Criteria: ACMG Guidelines, 2015. Collection method: clinical testing. Allele origin: unknown.
Comment: This variant has been detected in individual(s) who were sent for testing of Renasight - kidney gene panel.